The following is an entry in ClinVar:

ClinVar aggregate classification (germline): Likely benign. Review status: criteria provided, multiple submitters, no conflicts (2 of 4 stars). 3 submissions from 3 submitters: Likely benign (3). Last evaluated 2025-09-18.

Conditions:
Dilated cardiomyopathy 1DD (CMD1DD). Identifiers: Orphanet 154, MedGen C2750995, MONDO:0013168, OMIM 613172.
Cardiovascular phenotype. Identifiers: MedGen CN230736.

Allele frequency attached by ClinVar (database versions not stated): gnomAD exomes below 0.00001; TOPMed below 0.00001.
gnomAD v4.1: 2 of 1,551,746 alleles (0.00013%); highest among the groups gnomAD compares: Admixed American, 0.002%; no homozygotes.

Submissions (3):

Labcorp Genetics (formerly Invitae), Labcorp
Classification: Likely benign for Dilated cardiomyopathy 1DD. Last evaluated: 2025-09-18. Review status: criteria provided, single submitter. Criteria: Invitae Variant Classification Sherloc (09022015). Collection method: clinical testing. Allele origin: germline.

Mayo Clinic Laboratories, Mayo Clinic
Classification: Likely benign. Last evaluated: 2025-04-11. Review status: criteria provided, single submitter. Criteria: ACMG Guidelines, 2015. Collection method: clinical testing. Allele origin: germline. Observed: 1 variant allele.
Comment: BP4, BP7, PM2_supporting

Ambry Genetics
Classification: Likely benign for Cardiovascular phenotype. Last evaluated: 2023-06-09. Review status: criteria provided, single submitter. Criteria: Ambry Variant Classification Scheme 2023. Collection method: clinical testing. Allele origin: germline.

NM_001134363.3(RBM20):c.2314C>T (p.Leu772=)

Gene: RBM20 (RNA binding motif protein 20; plus strand). Cytogenetic location: 10q25.2.
Variant type: single nucleotide variant.
Coding change: c.2314C>T on transcript NM_001134363.3 (MANE Select); coding-DNA position 2314, C replaced by T.
Protein change: p.Leu772=; no amino-acid change (leucine 772 retained).
Molecular consequence: synonymous variant.
Genome position (GRCh38, 1-based): chr10:110,812,711, C>T. VCF-style: chr10-110812711-C-T. GRCh37 (hg19) VCF-style: chr10-112572469-C-T.
Other names: p.Leu772=.
Identifiers: ClinVar variation 2561830 (VCV002561830.4), dbSNP rs1461555462, ClinGen allele CA471506892.
Genomic context (GRCh38, chr10:110,812,711, plus strand): 5'-TACAAAAGCCGTGAAGACGGCTACTACCGGAAAGAGCCCAAAGCCAAGTCGGACAAGTAT[C>T]TGAAGCAGCAGCAGGATGCCCCCGGGAGGTCCAGGAGGAAAGACGAGGCCAGGCTGCGGG-3'
Protein context (NP_001127835.2, residues 762-782): KEPKAKSDKY[Leu772=]KQQQDAPGRS